The following is an entry in ClinVar:

NM_014141.6(CNTNAP2):c.3155G>A (p.Arg1052His)

Gene: CNTNAP2 (contactin associated protein 2; plus strand). Cytogenetic location: 7q36.1.
Variant type: single nucleotide variant.
Coding change: c.3155G>A on transcript NM_014141.6 (MANE Select); coding-DNA position 3155, G replaced by A.
Protein change: p.Arg1052His; replaces arginine 1052 with histidine.
Molecular consequence: missense variant.
Genome position (GRCh38, 1-based): chr7:148,217,432, G>A. VCF-style: chr7-148217432-G-A. GRCh37 (hg19) VCF-style: chr7-147914524-G-A.
Other names: p.R1052H:CGC>CAC; short protein forms R1052H.
Identifiers: ClinVar variation 205280 (VCV000205280.20), dbSNP rs374739970, ClinGen allele CA314194.

ClinVar aggregate classification (germline): Conflicting classifications of pathogenicity. Review status: criteria provided, conflicting classifications (1 of 4 stars). 5 submissions from 5 submitters: Uncertain significance (4); Likely benign (1). Last evaluated 2025-04-14.

Conditions:
Cortical dysplasia-focal epilepsy syndrome (PTHSL1). Also called: Pitt-Hopkins-like syndrome 1. Identifiers: Orphanet 163681, Orphanet 221150, MedGen C2750246, MONDO:0012400, OMIM 610042.
Autism, susceptibility to, 15. Also called: Autism susceptibility 15. Identifiers: MedGen C2677504, MONDO:0012801, OMIM 612100.
Inborn genetic diseases. Identifiers: MedGen C0950123, MeSH D030342.

Allele frequency attached by ClinVar (database versions not stated): ExAC 0.00004; gnomAD exomes 0.00005 and 0.00011; ESP Exome Variant Server 0.00008; gnomAD 0.00008 and 0.00009; TOPMed 0.00009.
gnomAD v4.1: 172 of 1,614,010 alleles (0.011%); highest among the groups gnomAD compares: Middle Eastern, 0.016%; no homozygotes.

Submissions (5):

Ambry Genetics
Classification: Likely benign for Inborn genetic diseases. Last evaluated: 2025-04-14. Review status: criteria provided, single submitter. Criteria: Ambry Variant Classification Scheme 2023. Collection method: clinical testing. Allele origin: germline.

Labcorp Genetics (formerly Invitae), Labcorp
Classification: Uncertain significance for Cortical dysplasia-focal epilepsy syndrome. Last evaluated: 2022-07-04. Review status: criteria provided, single submitter. Criteria: Invitae Variant Classification Sherloc (09022015). Collection method: clinical testing. Allele origin: germline.
Comment: This sequence change replaces arginine, which is basic and polar, with histidine, which is basic and polar, at codon 1052 of the CNTNAP2 protein (p.Arg1052His). This variant is present in population databases (rs374739970, gnomAD 0.01%). This variant has not been reported in the literature in individuals affected with CNTNAP2-related conditions. ClinVar contains an entry for this variant (Variation ID: 205280). Algorithms developed to predict the effect of missense changes on protein structure and function output the following: SIFT: "Tolerated"; PolyPhen-2: "Benign"; Align-GVGD: "Class C0". The histidine amino acid residue is found in multiple mammalian species, which suggests that this missense change does not adversely affect protein function. In summary, the available evidence is currently insufficient to determine the role of this variant in disease. Therefore, it has been classified as a Variant of Uncertain Significance.

GeneDx
Classification: Uncertain significance. Last evaluated: 2022-06-08. Review status: criteria provided, single submitter. Criteria: GeneDx Variant Classification Process June 2021. Collection method: clinical testing. Allele origin: germline. Affected: yes.
Comment: Not observed at significant frequency in large population cohorts (gnomAD); In silico analysis, which includes protein predictors and evolutionary conservation, supports that this variant does not alter protein structure/function; Has not been previously published as pathogenic or benign to our knowledge

Victorian Clinical Genetics Services, Murdoch Childrens Research Institute
Classification: Uncertain significance for Cortical dysplasia-focal epilepsy syndrome. Last evaluated: 2020-05-26. Review status: criteria provided, single submitter. Criteria: ACMG Guidelines, 2015. Collection method: clinical testing. Allele origin: germline. Inheritance: Autosomal recessive inheritance. Affected: yes.
Comment: Based on the classification scheme VCGS_Germline_v0.6.1, this variant is classified as 3C-VUS. Following criteria are met: 0102 - Loss of function is a known mechanism of disease for this gene (OMIM). 0106 - This gene is known to be associated with autosomal recessive disease (OMIM). 0200 - Variant is predicted to result in a missense amino acid change from arginine to histidine (exon 19). 0304 - Variant is present in gnomAD <0.01 for recessive indication. 0309 - An alternative amino acid change at the same position has been observed in gnomAD. 0503 - Missense variant consistently predicted to be tolerated OR not conserved in mammals with a minor amino acid change. 0604 - Variant is not located in an established domain, motif or hotspot. 0705 - No comparable variants in relevant codon/region have previous evidence for pathogenicity. 0807 - Variant has not previously been reported in a clinical context. 0905 - No published segregation evidence has been identified for this variant. 1007 - No published functional evidence has been identified for this variant.

Fulgent Genetics
Classification: Uncertain significance for Cortical dysplasia-focal epilepsy syndrome; Autism, susceptibility to, 15. Last evaluated: 2018-10-31. Review status: criteria provided, single submitter. Criteria: ACMG Guidelines, 2015. Collection method: clinical testing. Allele origin: unknown.